The following is an entry in ClinVar:

ClinVar aggregate classification (germline): Pathogenic (1 of 4 stars; one submission).

Conditions:
Breast-ovarian cancer, familial, susceptibility to, 1 (BROVCA1). Also called: BRCA1 Hereditary Breast and Ovarian Cancer; OVARIAN CANCER, SUSCEPTIBILITY TO. Identifiers: Orphanet 145, MedGen C2676676, MONDO:0011450, OMIM 604370. Disease mechanism: loss of function.

Submission:

Myriad Genetics, Inc.
Classification: Pathogenic for Breast-ovarian cancer, familial, susceptibility to, 1. Last evaluated: 2025-03-18. Review status: criteria provided, single submitter. Criteria: Myriad Autosomal Dominant, Autosomal Recessive and X-Linked Classification Criteria (2023). Collection method: clinical testing. Allele origin: unknown.
Comment: This variant is considered pathogenic. This variant occurs within a consensus splice junction and is predicted to result in abnormal mRNA splicing of either an out-of-frame exon or an in-frame exon necessary for protein stability and/or normal function. This variant is strongly associated with more severe personal and family histories of cancer, typical for individuals with pathogenic variants in this gene [PMID: 25085752].

Literature cited by the submitters: PubMed 25085752.

NM_007294.4(BRCA1):c.4675+1del

Gene: BRCA1 (BRCA1 DNA repair associated; minus strand). Cytogenetic location: 17q21.31.
Variant type: Deletion.
Coding change: c.4675+1del on transcript NM_007294.4 (MANE Select); the canonical splice donor site of the intron after coding-DNA position 4675, one base deleted (G; older notation c.4675+1delG).
Molecular consequence: splice donor variant. On other transcripts: intron variant (3).
Genome position (GRCh38, 1-based): chr17:43,074,330, C deleted on the plus strand (G on the coding strand, the reverse complement: BRCA1 is on the minus strand); the first of 2 consecutive C bases (chr17:43,074,330-43,074,331); deleting either gives the same sequence. VCF-style (leftmost placement, unchanged base first): chr17-43074329-AC-A. GRCh37 (hg19) VCF-style: chr17-41226346-AC-A.
Other names: c.1027+1del (NM_001408508.1); c.1153+1del (NM_001408491.1, NM_001408481.1, NM_001408484.1 and 5 more transcripts); c.4459+1del (NM_001407918.1, NM_001407917.1, NM_001407915.1 and 1 more transcripts); c.4462+1del (NM_001407894.1, NM_001407909.1, NM_001407906.1 and 12 more transcripts); c.4336+1del (NM_001407957.1, NM_001407956.1, NM_001407958.1); c.4339+1del (NM_001407953.1, NM_001407952.1, NM_001407950.1 and 3 more transcripts); c.4342+1del (NM_001407949.1, NM_001407948.1, NM_001407947.1 and 1 more transcripts); c.1039+1del (NM_001408506.1); and 71 more.
Identifiers: ClinVar variation 3904743 (VCV003904743.1).